The following is an entry in ClinVar:

NM_005633.4(SOS1):c.3121C>T (p.Arg1041Cys)

Gene: SOS1 (SOS Ras/Rac guanine nucleotide exchange factor 1; minus strand). Cytogenetic location: 2p22.1.
Variant type: single nucleotide variant.
Coding change: c.3121C>T on transcript NM_005633.4 (MANE Select); coding-DNA position 3121, C replaced by T.
Protein change: p.Arg1041Cys; replaces arginine 1041 with cysteine.
Molecular consequence: missense variant.
Genome position (GRCh38, 1-based): chr2:38,995,348, G>A on the plus strand (C>T on the coding strand, the complement: SOS1 is on the minus strand). VCF-style: chr2-38995348-G-A. GRCh37 (hg19) VCF-style: chr2-39222489-G-A.
Other names: c.3100C>T, p.Arg1034Cys (NM_001382394.1); c.3121C>T, p.Arg1041Cys (NM_001382395.1); short protein forms R1034C, R1041C.
Identifiers: ClinVar variation 3224886 (VCV003224886.1), dbSNP rs2528915708, ClinGen allele CA346361185.
Genomic context (GRCh38, chr2:38,995,348, plus strand): 5'-TTGGCTCCTGCTGCAGAGGTGTGGGATGCCTCATGGTACCTGGTCTTGGGTTTGATGGAC[G>A]AACACCAGGAGATTTTAGGGGATAGCTATATTTTTTTGGCTGTAGACATATCAAAAGAAA-3'
Protein context (NP_005624.2, residues 1031-1051): YSYPLKSPGV[Arg1041Cys]PSNPRPGTMR

ClinVar aggregate classification (germline): Uncertain significance (1 of 4 stars; one submission).

Conditions:
Cardiovascular phenotype. Identifiers: MedGen CN230736.

Submission:

Ambry Genetics
Classification: Uncertain significance for Cardiovascular phenotype. Last evaluated: 2023-09-30. Review status: criteria provided, single submitter. Criteria: Ambry Variant Classification Scheme 2023. Collection method: clinical testing. Allele origin: germline.
Comment: The p.R1041C variant (also known as c.3121C>T), located in coding exon 20 of the SOS1 gene, results from a C to T substitution at nucleotide position 3121. The arginine at codon 1041 is replaced by cysteine, an amino acid with highly dissimilar properties. This amino acid position is conserved. In addition, the in silico prediction for this alteration is inconclusive. Since supporting evidence is limited at this time, the clinical significance of this alteration remains unclear.